The following is an entry in ClinVar:

NM_138694.4(PKHD1):c.9811G>A (p.Gly3271Arg)

Gene: PKHD1 (PKHD1 ciliary IPT domain containing fibrocystin/polyductin; minus strand). Cytogenetic location: 6p12.3.
Variant type: single nucleotide variant.
Coding change: c.9811G>A on transcript NM_138694.4 (MANE Select); coding-DNA position 9811, G replaced by A.
Protein change: p.Gly3271Arg; replaces glycine 3271 with arginine.
Molecular consequence: missense variant.
Genome position (GRCh38, 1-based): chr6:51,747,805, C>T on the plus strand (G>A on the coding strand, the complement: PKHD1 is on the minus strand). VCF-style: chr6-51747805-C-T. GRCh37 (hg19) VCF-style: chr6-51612603-C-T.
Other names: c.9811G>A, p.Gly3271Arg (NM_170724.3); short protein forms G3271R.
Identifiers: ClinVar variation 3381996 (VCV003381996.2).

ClinVar aggregate classification (germline): Uncertain significance (1 of 4 stars; one submission).

Conditions:
Polycystic kidney disease 4 (PKD4). Also called: POLYCYSTIC KIDNEY AND HEPATIC DISEASE 1; POLYCYSTIC KIDNEY DISEASE, INFANTILE, TYPE I; Autosomal Recessive Polycystic Kidney Disease – PKHD1; POLYCYSTIC KIDNEY DISEASE 4 WITH OR WITHOUT POLYCYSTIC LIVER DISEASE; PKD3. Identifiers: MedGen C4540575, MONDO:0033004, OMIM 263200.

Submission:

Juno Genomics, Hangzhou Juno Genomics, Inc
Classification: Uncertain significance for Polycystic kidney disease 4. Review status: criteria provided, single submitter. Criteria: ACMG Guidelines, 2015. Collection method: clinical testing. Allele origin: germline. Affected: yes.
Comment: Absent from controls (or at extremely low frequency if recessive) in Genome Aggregation Database, Exome Sequencing Project, 1000 Genomes Project, or Exome Aggregation Consortium.;Multiple lines of computational evidence support a deleterious effect on the gene or gene product (conservation, evolutionary, splicing impact, etc).;For recessive disorders, detected in trans with a pathogenic variant.